The following is an entry in ClinVar:

NC_012920.1(MT-CYB):m.15662A>G

Gene: MT-CYB (mitochondrially encoded cytochrome b; plus strand).
Variant type: single nucleotide variant.
Genome position: chrM-15662-A-G.
Identifiers: ClinVar variation 693927 (VCV000693927.1), dbSNP rs3094280, ClinGen allele CA337100476.
Genomic context (GRCh38, chrMT:15,662, plus strand): 5'-AACAAACTAGGAGGCGTCCTTGCCCTATTACTATCCATCCTCATCCTAGCAATAATCCCC[A>G]TCCTCCATATATCCAAACAACAAAGCATAATATTTCGCCCACTAAGCCAATCACTTTATT-3'

ClinVar aggregate classification (germline): Benign (1 of 4 stars; one submission).

Conditions:
Leigh syndrome (NULS). Also called: Leigh's necrotizing encephalopathy; Leigh's disease; Leigh's syndrome; LEIGH SYNDROME, NUCLEAR; Leigh Syndrome (mtDNA deletion); Leigh Disease. Identifiers: Orphanet 506, MedGen C2931891, MONDO:0009723, OMIM 256000.

Submission:

Wong Mito Lab, Molecular and Human Genetics, Baylor College of Medicine
Classification: Benign for Leigh syndrome. Last evaluated: 2019-10-17. Review status: criteria provided, single submitter. Criteria: Modified ACMG Guidelines (Unpublished). Collection method: clinical testing. Allele origin: germline.
Comment: The NC_012920.1:m.15662A>G (YP_003024038.1:p.Ile306Val) variant in MTCYB gene is interpretated to be a Benign variant based on the modified ACMG guidelines (unpublished). This variant meets the following evidence codes: BS1, BS2

Literature cited by the submitters: PubMed 10894993.